The following is an entry in ClinVar:

ClinVar aggregate classification (germline): Uncertain significance (1 of 4 stars; one submission).

Allele frequency attached by ClinVar (database versions not stated): gnomAD exomes below 0.00001.
gnomAD v4.1: 6 of 1,614,132 alleles (0.00037%); highest among the groups gnomAD compares: Non-Finnish European, 0.00034%; no homozygotes.

Submission:

GeneDx
Classification: Uncertain significance. Last evaluated: 2020-07-06. Review status: criteria provided, single submitter. Criteria: GeneDx Variant Classification Process June 2021. Collection method: clinical testing. Allele origin: germline. Affected: yes.
Comment: Has not been previously published as pathogenic or benign to our knowledge; Not observed at a significant frequency in large population cohorts (Lek et al., 2016); In silico analysis supports that this missense variant has a deleterious effect on protein structure/function

NM_000018.4(ACADVL):c.732T>A (p.Asn244Lys)

Gene: ACADVL (acyl-CoA dehydrogenase very long chain; plus strand). Cytogenetic location: 17p13.1.
Variant type: single nucleotide variant.
Coding change: c.732T>A on transcript NM_000018.4 (MANE Select); coding-DNA position 732, T replaced by A.
Protein change: p.Asn244Lys; replaces asparagine 244 with lysine.
Molecular consequence: missense variant.
Genome position (GRCh38, 1-based): chr17:7,222,061, T>A. VCF-style: chr17-7222061-T-A. GRCh37 (hg19) VCF-style: chr17-7125380-T-A.
Other names: c.666T>A, p.Asn222Lys (NM_001033859.3); c.801T>A, p.Asn267Lys (NM_001270447.2); c.504T>A, p.Asn168Lys (NM_001270448.2); short protein forms N168K, N222K, N244K, N267K.
Identifiers: ClinVar variation 1312943 (VCV001312943.2), dbSNP rs1567564195, ClinGen allele CA397723558.
Genomic context (GRCh38, chr17:7,222,061, plus strand): 5'-TGCAGCCTCCATCCGAACCTCTGCTGTGCCCAGCCCCTGTGGAAAATACTATACCCTCAA[T>A]GGAAGCAAGCTTTGGATCAGGCAACCTGCCTCCCATTTCTCCCCTTCTCCTCCGCCCAAT-3'
Protein context (NP_000009.1, residues 234-254): PSPCGKYYTL[Asn244Lys]GSKLWISNGG